The following is an entry in ClinVar:

NM_030665.4(RAI1):c.853C>T (p.Gln285Ter)

Gene: RAI1 (retinoic acid induced 1; plus strand). Cytogenetic location: 17p11.2.
Variant type: single nucleotide variant.
Coding change: c.853C>T on transcript NM_030665.4 (MANE Select); coding-DNA position 853, C replaced by T.
Protein change: p.Gln285Ter; replaces glutamine 285 with a stop codon.
Molecular consequence: nonsense.
Genome position (GRCh38, 1-based): chr17:17,793,801, C>T. VCF-style: chr17-17793801-C-T. GRCh37 (hg19) VCF-style: chr17-17697115-C-T.
Other names: short protein forms Q285*.
Identifiers: ClinVar variation 2705058 (VCV002705058.3), dbSNP rs756018704, ClinGen allele CA8418217.

ClinVar aggregate classification (germline): Pathogenic (1 of 4 stars; one submission).

Allele frequency attached by ClinVar (database versions not stated): ExAC 0.00021.

Submission:

Labcorp Genetics (formerly Invitae), Labcorp
Classification: Pathogenic. Last evaluated: 2023-12-23. Review status: criteria provided, single submitter. Criteria: Invitae Variant Classification Sherloc (09022015). Collection method: clinical testing. Allele origin: germline.
Comment: This sequence change creates a premature translational stop signal (p.Gln285*) in the RAI1 gene. It is expected to result in an absent or disrupted protein product. Loss-of-function variants in RAI1 are known to be pathogenic (PMID: 21857958, 24715852). This variant is not present in population databases (gnomAD no frequency). This variant has not been reported in the literature in individuals affected with RAI1-related conditions. For these reasons, this variant has been classified as Pathogenic.

Literature cited by the submitters: PubMed 21857958; PubMed 24715852.